The following is an entry in ClinVar:

ClinVar aggregate classification (germline): Uncertain significance (1 of 4 stars; one submission).

gnomAD v4.1: 2 of 1,614,022 alleles (0.00012%); highest among the groups gnomAD compares: Non-Finnish European, 0.00017%; no homozygotes.

Submission:

Greenwood Genetic Center Diagnostic Laboratories, Greenwood Genetic Center
Classification: Uncertain significance. Last evaluated: 2025-12-15. Review status: criteria provided, single submitter. Criteria: ACMG Guidelines, 2015. Collection method: clinical testing. Allele origin: germline. Affected: yes.
Comment: Gene of Uncertain Significance

NM_020546.3(ADCY2):c.1856T>A (p.Ile619Asn)

Gene: ADCY2 (adenylate cyclase 2; plus strand). Cytogenetic location: 5p15.31.
Variant type: single nucleotide variant.
Coding change: c.1856T>A on transcript NM_020546.3 (MANE Select); coding-DNA position 1856, T replaced by A.
Protein change: p.Ile619Asn; replaces isoleucine 619 with asparagine.
Molecular consequence: missense variant.
Genome position (GRCh38, 1-based): chr5:7,727,246, T>A. VCF-style: chr5-7727246-T-A. GRCh37 (hg19) VCF-style: chr5-7727359-T-A.
Other names: short protein forms I619N.
Identifiers: ClinVar variation 4845534 (VCV004845534.1).
Genomic context (GRCh38, chr5:7,727,246, plus strand): 5'-CGTTCAAGTATTATGTGACTTGTGCCTGTCTCATATTCTTCTGCATCTTCATTGTGCAGA[T>A]TCTCGTGCTGCCAAAGTAAGTACTTCTGGTTTCCACTGGGATTCTCACCTGGGGTGCCTT-3'
Protein context (NP_065433.2, residues 609-629): LIFFCIFIVQ[Ile619Asn]LVLPKTSVLG